The following is an entry in ClinVar:

NM_000143.4(FH):c.450T>A (p.Asn150Lys)

Gene: FH (fumarate hydratase; minus strand). Cytogenetic location: 1q43.
Variant type: single nucleotide variant.
Coding change: c.450T>A on transcript NM_000143.4 (MANE Select); coding-DNA position 450, T replaced by A.
Protein change: p.Asn150Lys; replaces asparagine 150 with lysine.
Molecular consequence: missense variant.
Genome position (GRCh38, 1-based): chr1:241,512,072, A>T on the plus strand (T>A on the coding strand, the complement: FH is on the minus strand). VCF-style: chr1-241512072-A-T. GRCh37 (hg19) VCF-style: chr1-241675372-A-T.
Other names: short protein forms N150K.
Identifiers: ClinVar variation 429181 (VCV000429181.15), dbSNP rs1131691242, ClinGen allele CA345440080.

ClinVar aggregate classification (germline): Likely pathogenic. Review status: criteria provided, multiple submitters, no conflicts (2 of 4 stars). 2 submissions from 2 submitters: Likely pathogenic (2). Last evaluated 2023-08-14.

Conditions:
Hereditary cancer-predisposing syndrome. Also called: Hereditary Cancer Syndrome; Neoplastic Syndromes, Hereditary; Hereditary neoplastic syndrome; Tumor predisposition. Identifiers: Orphanet 140162, MedGen C0027672, MeSH D009386, MONDO:0015356.

Submissions (2):

Ambry Genetics
Classification: Likely pathogenic for Hereditary cancer-predisposing syndrome. Last evaluated: 2023-08-14. Review status: criteria provided, single submitter. Criteria: Ambry Variant Classification Scheme 2023. Collection method: clinical testing. Allele origin: germline.
Comment: The p.N150K variant (also known as c.450T>A), located in coding exon 4 of the FH gene, results from a T to A substitution at nucleotide position 450. The asparagine at codon 150 is replaced by lysine, an amino acid with similar properties. This alteration has been observed in multiple individuals with a personal and family history that is consistent with FH-related disease (Ambry internal data; Chayed Z et al. Orphanet J Rare Dis, 2021 01;16:34). This variant is considered to be rare based on population cohorts in the Genome Aggregation Database (gnomAD). This amino acid position is highly conserved in available vertebrate species. In addition, the in silico prediction for this alteration is inconclusive. Based on the majority of available evidence to date, this variant is likely to be pathogenic.

Labcorp Genetics (formerly Invitae), Labcorp
Classification: Likely pathogenic. Last evaluated: 2022-03-04. Review status: criteria provided, single submitter. Criteria: Invitae Variant Classification Sherloc (09022015). Collection method: clinical testing. Allele origin: germline.
Comment: This sequence change replaces asparagine, which is neutral and polar, with lysine, which is basic and polar, at codon 150 of the FH protein (p.Asn150Lys). This variant is not present in population databases (gnomAD no frequency). This missense change has been observed in individuals with hereditary leiomyomatosis and renal cell cancer (PMID: 33461594; Invitae). ClinVar contains an entry for this variant (Variation ID: 429181). Advanced modeling of protein sequence and biophysical properties (such as structural, functional, and spatial information, amino acid conservation, physicochemical variation, residue mobility, and thermodynamic stability) performed at Invitae indicates that this missense variant is expected to disrupt FH protein function. In summary, the currently available evidence indicates that the variant is pathogenic, but additional data are needed to prove that conclusively. Therefore, this variant has been classified as Likely Pathogenic.

Literature cited by the submitters: PubMed 32612247 (cited by Ambry Genetics); PubMed 33461594 (cited by Ambry Genetics and Labcorp Genetics (formerly Invitae), Labcorp).